The following is an entry in ClinVar:

ClinVar aggregate classification (germline): Uncertain significance (1 of 4 stars; one submission).

Conditions:
Primary ciliary dyskinesia. Also called: Ciliary dyskinesia. Identifiers: Orphanet 244, MedGen C0008780, MONDO:0016575, HP:0012265.

Submission:

Labcorp Genetics (formerly Invitae), Labcorp
Classification: Uncertain significance for Primary ciliary dyskinesia. Last evaluated: 2022-04-30. Review status: criteria provided, single submitter. Criteria: Invitae Variant Classification Sherloc (09022015). Collection method: clinical testing. Allele origin: germline.
Comment: This variant is not present in population databases (gnomAD no frequency). This sequence change replaces aspartic acid, which is acidic and polar, with glycine, which is neutral and non-polar, at codon 680 of the RPGR (ORF15) protein (p.Asp680Gly). In summary, the available evidence is currently insufficient to determine the role of this variant in disease. Therefore, it has been classified as a Variant of Uncertain Significance. Algorithms developed to predict the effect of missense changes on protein structure and function output the following: SIFT: "Not Available"; PolyPhen-2: "Not Available"; Align-GVGD: "Not Available". The glycine amino acid residue is found in multiple mammalian species, which suggests that this missense change does not adversely affect protein function. This variant has not been reported in the literature in individuals affected with RPGR (ORF15)-related conditions.

NM_001034853.2(RPGR):c.2039A>G (p.Asp680Gly)

Gene: RPGR (retinitis pigmentosa GTPase regulator; minus strand). Cytogenetic location: Xp11.4.
Variant type: single nucleotide variant.
Coding change: c.2039A>G on transcript NM_001034853.2 (MANE Select); coding-DNA position 2039, A replaced by G.
Protein change: p.Asp680Gly; replaces aspartic acid 680 with glycine.
Molecular consequence: missense variant. On other transcripts: intron variant (8).
Genome position (GRCh38, 1-based): chrX:38,286,960, T>C on the plus strand (A>G on the coding strand, the complement: RPGR is on the minus strand). VCF-style: chrX-38286960-T-C. GRCh37 (hg19) VCF-style: chrX-38146213-T-C.
Other names: c.1569+3999A>G (NM_001367249.1, NM_001367250.1); c.1902+134A>G (NM_001367245.1); c.1386+3999A>G (NM_001367251.1); c.1719+134A>G (NM_001367246.1); c.1572+3999A>G (NM_001367247.1); c.1905+134A>G (NM_000328.3); c.1602+3999A>G (NM_001367248.1); short protein forms D680G.
Identifiers: ClinVar variation 2190538 (VCV002190538.4), dbSNP rs2519794080, ClinGen allele CA412731599.